The following is an entry in ClinVar:

NM_001171613.2(PREPL):c.140_141dup (p.Ala48fs)

Gene: PREPL (prolyl endopeptidase like; minus strand). Cytogenetic location: 2p21.
Variant type: Duplication.
Coding change: c.140_141dup on transcript NM_001171613.2 (MANE Select); coding-DNA positions 140 to 141, 2 bases duplicated (AA; older notation c.140_141dupAA).
Protein change: p.Ala48fs; shifts the reading frame from alanine 48.
Molecular consequence: frameshift variant.
Genome position (GRCh38, 1-based): chr2:44,344,521-44,344,522, TT duplicated on the plus strand (AA on the coding strand, the reverse complement: PREPL is on the minus strand). VCF-style (leftmost placement, unchanged base first): chr2-44344520-C-CTT. GRCh37 (hg19) VCF-style: chr2-44571659-C-CTT.
Other names: c.407_408dup, p.Ala137fs (NM_001042385.2, NM_001042386.2, NM_001171603.1 and 4 more transcripts); c.140_141dup, p.Ala48fs (NM_001171617.1, NM_001374277.1); short protein forms A137fs, A48fs.
Identifiers: ClinVar variation 4691747 (VCV004691747.1).
Genomic context (GRCh38, chr2:44,344,520, plus strand): 5'-TCCTATAAAAAATATGAAATCTGAAAATTAGAGCACGTAAAAAGAAAAATTGTGGTGTAC[C>CTT]TTCTTCATCTTTGGAACGAACCAAGCAACAACCTTCTTGGTAATAAACAAAACCACCATG-3'

ClinVar aggregate classification (germline): Pathogenic (1 of 4 stars; one submission).

Conditions:
Myasthenic syndrome, congenital, 22 (CMS22). Also called: PREPL DEFICIENCY. Identifiers: MedGen C4479088, MONDO:0044299, OMIM 616224.

Submission:

Labcorp Genetics (formerly Invitae), Labcorp
Classification: Pathogenic for Myasthenic syndrome, congenital, 22. Last evaluated: 2025-12-07. Review status: criteria provided, single submitter. Criteria: Invitae Variant Classification Sherloc (09022015). Collection method: clinical testing. Allele origin: germline.
Comment: This sequence change creates a premature translational stop signal (p.Ala137Lysfs*18) in the PREPL gene. It is expected to result in an absent or disrupted protein product. Loss-of-function variants in PREPL are known to be pathogenic (PMID: 24610330, 28726805, 29913539). This variant is present in population databases (rs750380463, gnomAD 0.007%). This variant has not been reported in the literature in individuals affected with PREPL-related conditions. For these reasons, this variant has been classified as Pathogenic.

Literature cited by the submitters: PubMed 24610330; PubMed 28726805; PubMed 29913539.